The following is an entry in ClinVar:

ClinVar aggregate classification (germline): Uncertain significance (1 of 4 stars; one submission).

Allele frequency attached by ClinVar (database versions not stated): gnomAD exomes below 0.00001.
gnomAD v4.1: 1 of 1,614,126 alleles (0.000062%); highest among the groups gnomAD compares: Admixed American, 0.0017%; no homozygotes.

Submission:

Ambry Genetics
Classification: Uncertain significance. Last evaluated: 2024-02-26. Review status: criteria provided, single submitter. Criteria: Ambry Variant Classification Scheme 2023. Collection method: clinical testing. Allele origin: germline.
Comment: The p.R532M variant (also known as c.1595G>T), located in coding exon 3 of the ALPK2 gene, results from a G to T substitution at nucleotide position 1595. The arginine at codon 532 is replaced by methionine, an amino acid with similar properties. This amino acid position is conserved. In addition, this alteration is predicted to be tolerated by in silico analysis. Based on the available evidence, the clinical significance of this alteration remains unclear.

NM_052947.4(ALPK2):c.1595G>T (p.Arg532Met)

Gene: ALPK2 (alpha kinase 2; minus strand). Cytogenetic location: 18q21.31.
Variant type: single nucleotide variant.
Coding change: c.1595G>T on transcript NM_052947.4 (MANE Select); coding-DNA position 1595, G replaced by T.
Protein change: p.Arg532Met; replaces arginine 532 with methionine.
Molecular consequence: missense variant.
Genome position (GRCh38, 1-based): chr18:58,579,181, C>A on the plus strand (G>T on the coding strand, the complement: ALPK2 is on the minus strand). VCF-style: chr18-58579181-C-A. GRCh37 (hg19) VCF-style: chr18-56246413-C-A.
Other names: short protein forms R532M.
Identifiers: ClinVar variation 3228577 (VCV003228577.1), dbSNP rs2144197648, ClinGen allele CA402561745.